The following is an entry in ClinVar:

NM_003835.4(RGS9):c.582+3G>A

Gene: RGS9 (regulator of G protein signaling 9; plus strand). Cytogenetic location: 17q24.1.
Variant type: single nucleotide variant.
Coding change: c.582+3G>A on transcript NM_003835.4 (MANE Select); 3 bases into the intron after coding-DNA position 582, G replaced by A.
Molecular consequence: intron variant.
Genome position (GRCh38, 1-based): chr17:65,168,284, G>A. VCF-style: chr17-65168284-G-A. GRCh37 (hg19) VCF-style: chr17-63164402-G-A.
Other names: c.582+3G>A (NM_001081955.3, NM_001165933.2).
Identifiers: ClinVar variation 4750744 (VCV004750744.1).

ClinVar aggregate classification (germline): Uncertain significance (1 of 4 stars; one submission).

gnomAD v4.1: 7 of 1,600,402 alleles (0.00044%); highest among the groups gnomAD compares: Non-Finnish European, 0.0006%; no homozygotes.

Submission:

Labcorp Genetics (formerly Invitae), Labcorp
Classification: Uncertain significance. Last evaluated: 2025-05-27. Review status: criteria provided, single submitter. Criteria: Invitae Variant Classification Sherloc (09022015). Collection method: clinical testing. Allele origin: germline.
Comment: This sequence change falls in intron 8 of the RGS9 gene. It does not directly change the encoded amino acid sequence of the RGS9 protein. It affects a nucleotide within the consensus splice site. The frequency data for this variant in the population databases is considered unreliable, as metrics indicate poor data quality at this position in the gnomAD database. This variant has not been reported in the literature in individuals affected with RGS9-related conditions. Variants that disrupt the consensus splice site are a relatively common cause of aberrant splicing (PMID: 17576681, 9536098). Algorithms developed to predict the effect of sequence changes on RNA splicing suggest that this variant is not likely to affect RNA splicing. In summary, the available evidence is currently insufficient to determine the role of this variant in disease. Therefore, it has been classified as a Variant of Uncertain Significance.

Literature cited by the submitters: PubMed 17576681; PubMed 9536098.